The following is an entry in ClinVar:

ClinVar aggregate classification (germline): Uncertain significance. Review status: criteria provided, multiple submitters, no conflicts (2 of 4 stars). 5 submissions from 5 submitters: Uncertain significance (5). Last evaluated 2025-08-18.

Conditions:
Inborn genetic diseases. Identifiers: MedGen C0950123, MeSH D030342.
Autosomal recessive limb-girdle muscular dystrophy type 2Q (LGMDR17). Also called: MUSCULAR DYSTROPHY, LIMB-GIRDLE, AUTOSOMAL RECESSIVE 17. Identifiers: Orphanet 254361, MedGen C3150989, MONDO:0013390, OMIM 613723.
Epidermolysis bullosa simplex with nail dystrophy (EBS5D). Identifiers: MedGen C4225309, MONDO:0014661, OMIM 616487.
Epidermolysis bullosa simplex 5C, with pyloric atresia (EBS5C). Also called: PLEC1-Related Epidermolysis Bullosa with Pyloric Atresia; PLEC-Related Epidermolysis Bullosa with Pyloric Atresia; Epidermolysis bullosa simplex with pyloric atresia. Identifiers: Orphanet 158684, MedGen C2677349, MONDO:0012807, OMIM 612138.
Epidermolysis bullosa simplex, Ogna type (EBS5A). Also called: Pidermolysis bullosa simplex 5A, Ogna type; EPIDERMOLYSIS BULLOSA SIMPLEX 5A, OGNA TYPE. Identifiers: Orphanet 79401, MedGen C0432317, MONDO:0007555, OMIM 131950.
Epidermolysis bullosa simplex 5B, with muscular dystrophy (EBS5B). Also called: Epidermolysis bullosa simplex with muscular dystrophy; EPIDERMOLYSIS BULLOSA SIMPLEX AND LIMB-GIRDLE MUSCULAR DYSTROPHY. Identifiers: Orphanet 257, MedGen C2931072, MONDO:0009181, OMIM 226670.

Allele frequency attached by ClinVar (database versions not stated): ExAC 0.00001; gnomAD exomes 0.00001; gnomAD 0.00002 and 0.00003; TOPMed 0.00002.
gnomAD v4.1: 21 of 1,612,212 alleles (0.0013%); highest among the groups gnomAD compares: Admixed American, 0.005%; no homozygotes.

Submissions (5):

Labcorp Genetics (formerly Invitae), Labcorp
Classification: Uncertain significance for Autosomal recessive limb-girdle muscular dystrophy type 2Q; Epidermolysis bullosa simplex, Ogna type; Epidermolysis bullosa simplex with nail dystrophy; Epidermolysis bullosa simplex 5C, with pyloric atresia; Epidermolysis bullosa simplex 5B, with muscular dystrophy. Last evaluated: 2025-08-18. Review status: criteria provided, single submitter. Criteria: Invitae Variant Classification Sherloc (09022015). Collection method: clinical testing. Allele origin: germline.
Comment: This sequence change replaces glycine, which is neutral and non-polar, with serine, which is neutral and polar, at codon 456 of the PLEC protein (p.Gly456Ser). This variant is present in population databases (rs200066994, gnomAD 0.009%). This variant has not been reported in the literature in individuals affected with PLEC-related conditions. ClinVar contains an entry for this variant (Variation ID: 290349). An algorithm developed to predict the effect of missense changes on protein structure and function outputs the following: PolyPhen-2: "Not Available". The serine amino acid residue is found in multiple mammalian species, which suggests that this missense change does not adversely affect protein function. In summary, the available evidence is currently insufficient to determine the role of this variant in disease. Therefore, it has been classified as a Variant of Uncertain Significance.

GeneDx
Classification: Uncertain significance. Last evaluated: 2024-08-12. Review status: criteria provided, single submitter. Criteria: GeneDx Variant Classification Process June 2021. Collection method: clinical testing. Allele origin: germline. Affected: yes.
Comment: Not observed at significant frequency in large population cohorts (gnomAD); In silico analysis supports that this missense variant has a deleterious effect on protein structure/function; Has not been previously published as pathogenic or benign to our knowledge

Ambry Genetics
Classification: Uncertain significance for Inborn genetic diseases. Last evaluated: 2022-07-07. Review status: criteria provided, single submitter. Criteria: Ambry Variant Classification Scheme 2023. Collection method: clinical testing. Allele origin: germline.

Blueprint Genetics
Classification: Uncertain significance. Last evaluated: 2022-02-16. Review status: criteria provided, single submitter. Criteria: ACMG Guidelines, 2015. Collection method: clinical testing. Allele origin: germline.

Eurofins Ntd Llc (ga)
Classification: Uncertain significance. Last evaluated: 2016-08-22. Review status: criteria provided, single submitter. Criteria: EGL Classification Definitions 2015. Collection method: clinical testing. Allele origin: germline. Observed: 1 variant allele, 1 heterozygote.

NM_201384.3(PLEC):c.1285G>A (p.Gly429Ser)

Gene: PLEC (plectin; minus strand). Cytogenetic location: 8q24.3.
Variant type: single nucleotide variant.
Coding change: c.1285G>A on transcript NM_201384.3 (MANE Select); coding-DNA position 1285, G replaced by A.
Protein change: p.Gly429Ser; replaces glycine 429 with serine.
Molecular consequence: missense variant.
Genome position (GRCh38, 1-based): chr8:143,933,330, C>T on the plus strand (G>A on the coding strand, the complement: PLEC is on the minus strand). VCF-style: chr8-143933330-C-T. GRCh37 (hg19) VCF-style: chr8-145007498-C-T.
Other names: c.1366G>A, p.Gly456Ser (NM_000445.5); c.1243G>A, p.Gly415Ser (NM_201378.4); c.1219G>A, p.Gly407Ser (NM_201379.3); c.1696G>A, p.Gly566Ser (NM_201380.4); c.1189G>A, p.Gly397Ser (NM_201381.3); c.1285G>A, p.Gly429Ser (NM_201382.4); c.1297G>A, p.Gly433Ser (NM_201383.3); c.1366G>A (NM_000445.3); short protein forms G397S, G407S, G433S, G429S, G456S, G566S, G415S.
Identifiers: ClinVar variation 290349 (VCV000290349.14), dbSNP rs200066994, ClinGen allele CA4928027.
Genomic context (GRCh38, chr8:143,933,330, plus strand): 5'-TCATGCTATCCGCCTTGTCCAAGTCCCGTTCCACCTCCCCCGCCCGCTGTGGCACTTTGC[C>T]TGCAGCCAGCAGCCGGACATCCTGCAAGGTCGTTGCCATGACTCGGAGCACAGCTGATCC-3'
Protein context (NP_958786.1, residues 419-439): LQSDVRLLAA[Gly429Ser]KVPQRAGEVE